The following is an entry in ClinVar:

NM_133497.4(KCNV2):c.807C>A (p.Phe269Leu)

Gene: KCNV2 (potassium voltage-gated channel modifier subfamily V member 2; plus strand). Cytogenetic location: 9p24.2.
Variant type: single nucleotide variant.
Coding change: c.807C>A on transcript NM_133497.4 (MANE Select); coding-DNA position 807, C replaced by A.
Protein change: p.Phe269Leu; replaces phenylalanine 269 with leucine.
Molecular consequence: missense variant.
Genome position (GRCh38, 1-based): chr9:2,718,546, C>A. VCF-style: chr9-2718546-C-A. GRCh37 (hg19) VCF-style: chr9-2718546-C-A.
Other names: short protein forms F269L.
Identifiers: ClinVar variation 2155330 (VCV002155330.4), dbSNP rs373932533, ClinGen allele CA372799478.
Genomic context (GRCh38, chr9:2,718,546, plus strand): 5'-CATGGAGAAGCCATTCTCCTCGGTGGCCGCCAAGGCCATCGGGGTGGCCTCCAGCACCTT[C>A]GTGCTCGTCTCCGTGGTGGCGCTGGCGCTCAACACCGTGGAGGAGATGCAGCAGCACTCG-3'
Protein context (NP_598004.1, residues 259-279): AKAIGVASST[Phe269Leu]VLVSVVALAL

ClinVar aggregate classification (germline): Uncertain significance (1 of 4 stars; one submission).

Submission:

Labcorp Genetics (formerly Invitae), Labcorp
Classification: Uncertain significance. Last evaluated: 2024-11-18. Review status: criteria provided, single submitter. Criteria: Invitae Variant Classification Sherloc (09022015). Collection method: clinical testing. Allele origin: germline.
Comment: This sequence change replaces phenylalanine, which is neutral and non-polar, with leucine, which is neutral and non-polar, at codon 269 of the KCNV2 protein (p.Phe269Leu). This variant is not present in population databases (gnomAD no frequency). This variant has not been reported in the literature in individuals affected with KCNV2-related conditions. ClinVar contains an entry for this variant (Variation ID: 2155330). Invitae Evidence Modeling of protein sequence and biophysical properties (such as structural, functional, and spatial information, amino acid conservation, physicochemical variation, residue mobility, and thermodynamic stability) indicates that this missense variant is not expected to disrupt KCNV2 protein function with a negative predictive value of 95%. In summary, the available evidence is currently insufficient to determine the role of this variant in disease. Therefore, it has been classified as a Variant of Uncertain Significance.